The following is an entry in ClinVar:

ClinVar aggregate classification (germline): Uncertain significance. Review status: criteria provided, multiple submitters, no conflicts (2 of 4 stars). 2 submissions from 2 submitters: Uncertain significance (2). Last evaluated 2018-05-15.

Conditions:
Porphobilinogen synthase deficiency. Also called: Porphyria due to ALA dehydratase deficiency; ALAD DEFICIENCY; DELTA-AMINOLEVULINATE DEHYDRATASE DEFICIENCY; DOSS PORPHYRIA; PORPHYRIA, ALAD. Identifiers: Orphanet 100924, MedGen C0268328, MONDO:0013000, OMIM 612740.

Allele frequency attached by ClinVar (database versions not stated): TOPMed 0.00001; ExAC 0.00002; gnomAD 0.00002; gnomAD exomes 0.00002.

Submissions (2):

GeneDx
Classification: Uncertain significance. Last evaluated: 2018-05-15. Review status: criteria provided, single submitter. Criteria: GeneDx Variant Classification (06012015). Collection method: clinical testing. Allele origin: germline. Affected: yes.
Comment: The R262W variant in the ALAD gene has not been reported previously as a pathogenic variant, nor as a benign variant, to our knowledge. Although not reported in the homozygous state, the R262W variant is observed in 4/10144 (0.04%) alleles from individuals of Ashkenazi Jewish background, and in 9/277130 alleles from the global data set in large population cohorts (Lek et al., 2016). The R262W variant is a non-conservative amino acid substitution, which is likely to impact secondary protein structure as these residues differ in polarity, charge, size and/or other properties. In silico analyses, including protein predictors and evolutionary conservation, support a deleterious effect. We interpret R262W as a variant of uncertain significance.

Illumina Laboratory Services, Illumina
Classification: Uncertain significance for Porphobilinogen synthase deficiency. Last evaluated: 2018-01-13. Review status: criteria provided, single submitter. Criteria: ICSL Variant Classification Criteria 13 December 2019. Collection method: clinical testing. Allele origin: germline.

NM_000031.6(ALAD):c.784C>T (p.Arg262Trp)

Gene: ALAD (aminolevulinate dehydratase; minus strand). Cytogenetic location: 9q32.
Variant type: single nucleotide variant.
Coding change: c.784C>T on transcript NM_000031.6 (MANE Select); coding-DNA position 784, C replaced by T.
Protein change: p.Arg262Trp; replaces arginine 262 with tryptophan.
Molecular consequence: missense variant.
Genome position (GRCh38, 1-based): chr9:113,389,455, G>A on the plus strand (C>T on the coding strand, the complement: ALAD is on the minus strand). VCF-style: chr9-113389455-G-A. GRCh37 (hg19) VCF-style: chr9-116151735-G-A.
Other names: c.871C>T, p.Arg291Trp (NM_001003945.3); c.760C>T, p.Arg254Trp (NM_001317745.2); short protein forms R262W, R254W, R291W.
Identifiers: ClinVar variation 546208 (VCV000546208.6), dbSNP rs777485356, ClinGen allele CA5196364.